The following is an entry in ClinVar:

NM_003072.5(SMARCA4):c.713_714delinsTT (p.Pro238Leu)

Gene: SMARCA4 (SWI/SNF related BAF chromatin remodeling complex subunit ATPase 4; plus strand). Cytogenetic location: 19p13.2.
Variant type: Indel.
Coding change: c.713_714delinsTT on transcript NM_003072.5 (MANE Select); coding-DNA positions 713 to 714, CC replaced by TT.
Protein change: p.Pro238Leu; replaces proline 238 with leucine.
Molecular consequence: missense variant. On other transcripts: non-coding transcript variant (1).
Genome position (GRCh38, 1-based): chr19:10,986,546-10,986,547, CC replaced by TT. VCF-style: chr19-10986546-CC-TT. GRCh37 (hg19) VCF-style: chr19-11097222-CC-TT.
Other names: c.713_714delinsTT, p.Pro238Leu (NM_001128844.3, NM_001128845.2, NM_001128846.2 and 6 more transcripts); short protein forms P238L.
Identifiers: ClinVar variation 4992924 (VCV004992924.1).

ClinVar aggregate classification (germline): Uncertain significance (1 of 4 stars; one submission).

Conditions:
SMARCA4-related disorder. Also called: SMARCA4-related condition.

Submission:

PreventionGenetics, part of Exact Sciences
Classification: Uncertain significance for SMARCA4-related condition. Last evaluated: 2026-05-29. Review status: criteria provided, single submitter. Criteria: ACMG Guidelines, 2015. Collection method: clinical testing. Allele origin: germline.
Comment: The SMARCA4 c.713_714delinsTT variant is predicted to result in an in-frame deletion and insertion. To our knowledge, this variant has not been reported in the literature or in a large population database (gnomAD), indicating it is rare. At the time of reporting this variant was not present in ClinVar; however, a similar variant (c.713C>T) that results in the same amino acid change is classified as uncertain (Variation ID: 3631495). At this time, the clinical significance of this variant is uncertain due to the absence of conclusive functional and genetic evidence.